The following is an entry in ClinVar:

ClinVar aggregate classification (germline): Likely pathogenic (1 of 4 stars; one submission).

Conditions:
Anterior segment dysgenesis 7 (ASGD7). Also called: SCLEROCORNEA WITH OTHER OCULAR ANOMALIES; Anterior segment dysgenesis 7, with sclerocornea. Identifiers: Orphanet 289499, MedGen C3151617, MONDO:0010015, OMIM 269400.

Submission:

Variantyx, Inc.
Classification: Likely pathogenic for Anterior segment dysgenesis 7. Last evaluated: 2025-11-28. Review status: criteria provided, single submitter. Criteria: Variantyx Assertion Criteria 2022. Collection method: clinical testing. Allele origin: germline. Inheritance: Autosomal recessive inheritance. Affected: yes.
Comment: This is a frameshift variant in the PXDN gene (OMIM: 605158). Pathogenic variants in this gene have been associated with autosomal recessive anterior segment dysgenesis 7 with sclerocornea. This variant introduces a premature termination codon in exon 13 out of 23 and is expected to result in loss of function, which is a known disease mechanism for PXDN in this disorder (PMID: 21907015, 24939590) (PVS1). This variant has a 0.0011% maximum allele frequency in non-founder control populations (PM2) ad it \has not been reported in individuals with PXDN-related disorders in the databases available for review. Based on the current evidence, this variant is classified as likely pathogenic for autosomal recessive anterior segment dysgenesis 7 with sclerocornea.

Literature cited by the submitters: PubMed 21907015; PubMed 24939590.

NM_012293.3(PXDN):c.1635_1645del (p.Cys546fs)

Gene: PXDN (peroxidasin; minus strand). Cytogenetic location: 2p25.3.
Variant type: Microsatellite.
Coding change: c.1635_1645del on transcript NM_012293.3 (MANE Select); coding-DNA positions 1635 to 1645, 11 bases deleted (GTGCAGCTCCC).
Protein change: p.Cys546fs; shifts the reading frame from cysteine 546.
Molecular consequence: frameshift variant.
Genome position (GRCh38, 1-based): chr2:1,662,107-1,662,117, GGGAGCTGCAC deleted on the plus strand (GTGCAGCTCCC on the coding strand, the reverse complement: PXDN is on the minus strand); deleting any 11 consecutive bases within chr2:1,662,107-1,662,128 gives the same sequence; the c. name uses the placement nearest the transcript's 3' end. VCF-style (leftmost placement, unchanged base first): chr2-1662106-TGGGAGCTGCAC-T. GRCh37 (hg19) VCF-style: chr2-1665878-TGGGAGCTGCAC-T.
Other names: short protein forms C546fs.
Identifiers: ClinVar variation 4850790 (VCV004850790.1).
Genomic context (GRCh38, chr2:1,662,106, plus strand): 5'-GCTGGCTCGGGCACCAGACCGCCTACCTTGTTCCAGGTGATGGCTGGCTCGGGCTCGCCC[TGGGAGCTGCAC>T]GGGAGCTGCACATTGGCGCCCACCTCCACTGTTGTGTCGCTGGGAATGCTGGCAAACACT-3'